The following is an entry in ClinVar:

NM_000179.3(MSH6):c.507G>T (p.Lys169Asn)

Gene: MSH6 (mutS homolog 6; plus strand). Cytogenetic location: 2p16.3.
Variant type: single nucleotide variant.
Coding change: c.507G>T on transcript NM_000179.3 (MANE Select); coding-DNA position 507, G replaced by T.
Protein change: p.Lys169Asn; replaces lysine 169 with asparagine.
Molecular consequence: missense variant. On other transcripts: 5 prime UTR variant (1), intron variant (2).
Genome position (GRCh38, 1-based): chr2:47,795,943, G>T. VCF-style: chr2-47795943-G-T. GRCh37 (hg19) VCF-style: chr2-48023082-G-T.
Other names: c.-396G>T (NM_001281494.2); c.603G>T, p.Lys201Asn (NM_001406795.1, NM_001406802.1); c.507G>T, p.Lys169Asn (NM_001406796.1, NM_001406798.1, NM_001406800.1 and 5 more transcripts); c.210G>T, p.Lys70Asn (NM_001406797.1, NM_001406801.1, NM_001406805.1 and 10 more transcripts); c.-19G>T (NM_001406799.1, NM_001406806.1, NM_001406807.1); c.429G>T, p.Lys143Asn (NM_001406804.1); c.513G>T, p.Lys171Asn (NM_001406813.1); c.-488G>T (NM_001406814.1); and 3 more; short protein forms K70N, K169N, K201N, K143N, K171N, K113N.
Identifiers: ClinVar variation 1745214 (VCV001745214.2), dbSNP rs767474992, ClinGen allele CA346738659.

ClinVar aggregate classification (germline): Uncertain significance (1 of 4 stars; one submission).

Conditions:
Hereditary cancer-predisposing syndrome. Also called: Hereditary Cancer Syndrome; Neoplastic Syndromes, Hereditary; Tumor predisposition; Hereditary neoplastic syndrome. Identifiers: Orphanet 140162, MedGen C0027672, MeSH D009386, MONDO:0015356.

gnomAD v4.1: 1 of 1,614,132 alleles (0.000062%); highest among the groups gnomAD compares: Non-Finnish European, 0.000085%; no homozygotes.

Submission:

Ambry Genetics
Classification: Uncertain significance for Hereditary cancer-predisposing syndrome. Last evaluated: 2021-02-09. Review status: criteria provided, single submitter. Criteria: Ambry Variant Classification Scheme 2023. Collection method: clinical testing. Allele origin: germline.
Comment: The p.K169N variant (also known as c.507G>T), located in coding exon 3 of the MSH6 gene, results from a G to T substitution at nucleotide position 507. The lysine at codon 169 is replaced by asparagine, an amino acid with similar properties. This amino acid position is highly conserved in available vertebrate species. In addition, this alteration is predicted to be tolerated by in silico analysis. Since supporting evidence is limited at this time, the clinical significance of this alteration remains unclear.